The following is an entry in ClinVar:

NM_001035.3(RYR2):c.11967T>G (p.Asn3989Lys)

Gene: RYR2 (ryanodine receptor 2; plus strand). Cytogenetic location: 1q43.
Variant type: single nucleotide variant.
Coding change: c.11967T>G on transcript NM_001035.3 (MANE Select); coding-DNA position 11967, T replaced by G.
Protein change: p.Asn3989Lys; replaces asparagine 3989 with lysine.
Molecular consequence: missense variant.
Genome position (GRCh38, 1-based): chr1:237,783,679, T>G. VCF-style: chr1-237783679-T-G. GRCh37 (hg19) VCF-style: chr1-237946979-T-G.
Other names: short protein forms N3989K.
Identifiers: ClinVar variation 1351368 (VCV001351368.9), dbSNP rs2149351960, ClinGen allele CA345411788.
Genomic context (GRCh38, chr1:237,783,679, plus strand): 5'-TATGATCACTGATTTTGTTAGTTTATTTTAAACAAATGCAACTGCTTTACCACCAGGTAA[T>G]GTTGTTAATGGAACGATTGGCAAACAGATGGTGGATATGCTTGTGGAATCTTCCAACAAC-3'
Protein context (NP_001026.2, residues 3979-3999): VVMLLSMLEG[Asn3989Lys]VVNGTIGKQM

ClinVar aggregate classification (germline): Uncertain significance (1 of 4 stars; one submission).

Conditions:
Catecholaminergic polymorphic ventricular tachycardia 1. Also called: VENTRICULAR TACHYCARDIA, CATECHOLAMINERGIC POLYMORPHIC, 1, WITH OR WITHOUT ATRIAL DYSFUNCTION AND/OR DILATED CARDIOMYOPATHY; VENTRICULAR TACHYCARDIA, STRESS-INDUCED POLYMORPHIC 1; RYR2-Related Catecholaminergic Polymorphic Ventricular Tachycardia. Identifiers: Orphanet 3286, MedGen C1631597, MONDO:0011484, OMIM 604772.

Submission:

Labcorp Genetics (formerly Invitae), Labcorp
Classification: Uncertain significance for Catecholaminergic polymorphic ventricular tachycardia 1. Last evaluated: 2021-06-28. Review status: criteria provided, single submitter. Criteria: Invitae Variant Classification Sherloc (09022015). Collection method: clinical testing. Allele origin: germline.
Comment: This variant is not present in population databases (ExAC no frequency). In summary, the available evidence is currently insufficient to determine the role of this variant in disease. Therefore, it has been classified as a Variant of Uncertain Significance. Algorithms developed to predict the effect of sequence changes on RNA splicing suggest that this variant may create or strengthen a splice site, but this prediction has not been confirmed by published transcriptional studies. Advanced modeling of protein sequence and biophysical properties (such as structural, functional, and spatial information, amino acid conservation, physicochemical variation, residue mobility, and thermodynamic stability) performed at Invitae indicates that this missense variant is expected to disrupt RYR2 protein function. This variant has not been reported in the literature in individuals with RYR2-related conditions. This sequence change replaces asparagine with lysine at codon 3989 of the RYR2 protein (p.Asn3989Lys). The asparagine residue is highly conserved and there is a moderate physicochemical difference between asparagine and lysine.